The following is an entry in ClinVar:

ClinVar aggregate classification (germline): Pathogenic (1 of 4 stars; one submission).

Conditions:
Phenylketonuria (PKU). Also called: FOLLING DISEASE; Phenylketonuria (PKU); OLIGOPHRENIA PHENYLPYRUVICA; Phenylketonurias. Identifiers: Orphanet 716, MedGen C0031485, MONDO:0009861, OMIM 261600. Disease mechanism: loss of function.

Submission:

Labcorp Genetics (formerly Invitae), Labcorp
Classification: Pathogenic for Phenylketonuria. Last evaluated: 2022-10-14. Review status: criteria provided, single submitter. Criteria: Invitae Variant Classification Sherloc (09022015). Collection method: clinical testing. Allele origin: germline.
Comment: This variant is a gross deletion of the genomic region encompassing exon(s) 5 of the PAH gene. This deletion is out-of-frame, and is expected to create a premature termination codon and result in an absent or disrupted protein product. Loss-of-function variants in PAH are known to be pathogenic (PMID: 1301187, 9634518). A similar copy number variant has been observed in individual(s) with phenylketonuria or hyperphenylalaninemia (PMID: 12655547, 22513348, 23942198). For these reasons, this variant has been classified as Pathogenic.

Literature cited by the submitters: PubMed 1301187; PubMed 9634518; PubMed 12655547; PubMed 22513348; PubMed 23942198.

NC_000012.12:g.(?_102866586)_(102866673_?)del

Gene: PAH (phenylalanine hydroxylase; minus strand). Cytogenetic location: 12q23.2.
Variant type: Deletion.
Identifiers: ClinVar variation 832845 (VCV000832845.5).